The following is an entry in ClinVar:

ClinVar aggregate classification (germline): Likely pathogenic (1 of 4 stars; one submission).

Conditions:
Developmental and epileptic encephalopathy 111 (DEE111). Identifiers: MedGen C5882690, MONDO:0957780, OMIM 620504.

Submission:

First Genomix Gene Laboratory, Genetic Diagnostics Department
Classification: Likely pathogenic for Developmental and epileptic encephalopathy 111. Last evaluated: 2025-01-20. Review status: criteria provided, single submitter. Criteria: ACMG Guidelines, 2015. Collection method: clinical testing. Allele origin: germline. Inheritance: Autosomal recessive inheritance. Affected: no. Observed: 1 variant allele.

NM_001242896.3(DEPDC5):c.3041del (p.Gly1014fs)

Gene: DEPDC5 (DEP domain containing 5, GATOR1 subcomplex subunit; plus strand). Cytogenetic location: 22q12.3.
Variant type: Deletion.
Coding change: c.3041del on transcript NM_001242896.3 (MANE Select); coding-DNA position 3041, one base deleted (G; older notation c.3041delG).
Protein change: p.Gly1014fs; shifts the reading frame from glycine 1014.
Molecular consequence: frameshift variant. On other transcripts: non-coding transcript variant (5).
Genome position (GRCh38, 1-based): chr22:31,846,853, G deleted; the last of 2 consecutive G bases (chr22:31,846,852-31,846,853); deleting either gives the same sequence. VCF-style (leftmost placement, unchanged base first): chr22-31846851-AG-A. GRCh37 (hg19) VCF-style: chr22-32242837-AG-A.
Other names: c.3014del, p.Gly1005fs (NM_001136029.4, NM_001369903.1, NM_014662.6); c.2807del, p.Gly936fs (NM_001242897.2, NM_001363854.2, NM_001364319.2); c.3041del, p.Gly1014fs (NM_001363852.2, NM_001364318.2, NM_001364320.2); c.2957del, p.Gly986fs (NM_001369901.1, NM_001369902.1); c.3041delG (NM_001242896.3); short protein forms G1005fs, G1014fs, G936fs, G986fs.
Identifiers: ClinVar variation 4845712 (VCV004845712.1).